The following is an entry in ClinVar:

NM_000218.3(KCNQ1):c.202GCCGCGCCC[3] (p.68AAP[3])

Gene: KCNQ1 (potassium voltage-gated channel subfamily Q member 1; plus strand). Cytogenetic location: 11p15.5.
Variant type: Microsatellite.
Coding change: c.202GCCGCGCCC[3] on transcript NM_000218.3 (MANE Select); three copies in a row of the 9-base unit GCCGCGCCC starting at c.202; the reference has two copies in a row; one copy, 9 bases duplicated.
Protein change: p.68AAP[3].
Molecular consequence: inframe insertion.
Genome position (GRCh38, 1-based): chr11:2,445,309-2,445,317, GCCGCGCCC duplicated; duplicating any 9 consecutive bases within chr11:2,445,300-2,445,317 gives the same sequence; the position shown is the placement nearest the transcript's 3' end. VCF-style (leftmost placement, unchanged base first): chr11-2445299-G-GGCCGCGCCC. GRCh37 (hg19) VCF-style: chr11-2466529-G-GGCCGCGCCC.
Other names: c.211_219dupGCCGCGCCC (NM_000218.2).
Identifiers: ClinVar variation 53030 (VCV000053030.9), dbSNP rs397508107, ClinGen allele CA006733.

ClinVar aggregate classification (germline): Uncertain significance. Review status: criteria provided, multiple submitters, no conflicts (2 of 4 stars). 5 submissions from 5 submitters: Uncertain significance (4). 1 of the submissions does not count toward it. Last evaluated 2024-02-01.

Conditions:
Long QT syndrome 1 (LQT1). Identifiers: Orphanet 101016, Orphanet 768, MedGen C4551647, MONDO:0100316, OMIM 192500, MONDO:0008646.
Cardiovascular phenotype. Identifiers: MedGen CN230736.
Atrial fibrillation, familial, 3 (ATFB3). Identifiers: MedGen C1837014, MONDO:0011857, OMIM 607554.
Jervell and Lange-Nielsen syndrome 1 (JLNS1). Also called: CARDIOAUDITORY SYNDROME OF JERVELL AND LANGE-NIELSEN; DEAFNESS, CONGENITAL, AND FUNCTIONAL HEART DISEASE; PROLONGED QT INTERVAL IN EKG AND SUDDEN DEATH; SURDO-CARDIAC SYNDROME. Identifiers: Orphanet 768, Orphanet 90647, MedGen C4551509, MONDO:0024540, OMIM 220400.
Beckwith-Wiedemann syndrome (BWS). Also called: EMG SYNDROME; Exomphalos macroglossia gigantism syndrome. Identifiers: Orphanet 116, MedGen C0004903, MONDO:0007534, OMIM 130650.
Short QT syndrome type 2. Identifiers: Orphanet 51083, MedGen C1865019, MONDO:0012313, OMIM 609621.
Long QT syndrome (LQTS). Identifiers: MedGen C0023976, MeSH D008133, MONDO:0002442. Disease mechanism: loss of function. Inheritance: Various modes of inheritance.

Submissions (5):

Labcorp Genetics (formerly Invitae), Labcorp
Classification: Uncertain significance for Long QT syndrome. Last evaluated: 2024-02-01. Review status: criteria provided, single submitter. Criteria: Invitae Variant Classification Sherloc (09022015). Collection method: clinical testing. Allele origin: germline.
Comment: This variant, c.211_219dup, results in the insertion of 3 amino acid(s) of the KCNQ1 protein (p.Ala71_Pro73dup), but otherwise preserves the integrity of the reading frame. This variant is present in population databases (rs397508107, gnomAD 0.004%). This variant has not been reported in the literature in individuals affected with KCNQ1-related conditions. ClinVar contains an entry for this variant (Variation ID: 53030). Experimental studies and prediction algorithms are not available or were not evaluated, and the functional significance of this variant is currently unknown. In summary, the available evidence is currently insufficient to determine the role of this variant in disease. Therefore, it has been classified as a Variant of Uncertain Significance.

Fulgent Genetics
Classification: Uncertain significance for Beckwith-Wiedemann syndrome; Long QT syndrome 1; Jervell and Lange-Nielsen syndrome 1; Atrial fibrillation, familial, 3; Short QT syndrome type 2. Last evaluated: 2021-09-27. Review status: criteria provided, single submitter. Criteria: ACMG Guidelines, 2015. Collection method: clinical testing. Allele origin: unknown.

Ambry Genetics
Classification: Uncertain significance for Cardiovascular phenotype. Last evaluated: 2021-06-05. Review status: criteria provided, single submitter. Criteria: Ambry Variant Classification Scheme 2023. Collection method: clinical testing. Allele origin: germline.
Comment: The c.211_219dupGCCGCGCCC (p.A71_P73dup) alteration is located in exon 1 (coding exon 1) of the KCNQ1 gene. The alteration consists of an in-frame duplication of 9 nucleotides from position 211 to 219, resulting in the duplication of 3 residues. Based on insufficient or conflicting evidence, the clinical significance of this alteration remains unclear.

Women's Health and Genetics/Laboratory Corporation of America, LabCorp
Classification: Uncertain significance. Last evaluated: 2020-12-29. Review status: criteria provided, single submitter. Criteria: LabCorp Variant Classification Summary - May 2015. Collection method: clinical testing. Allele origin: germline.
Comment: Variant summary: KCNQ1 c.211_219dupGCCGCGCCC (p.Ala71_Pro73dup) results in an in-frame duplication that is predicted to duplicate three amino acids (Ala-Ala-Pro) into the repeat region of encoded protein. The variant allele was found at a frequency of 1.9e-05 in 103628 control chromosomes (gnomAD). The available data on variant occurrences in the general population are insufficient to allow any conclusion about variant significance. To our knowledge, no occurrence of c.211_219dupGCCGCGCCC in individuals affected with Arrhythmia and no experimental evidence demonstrating its impact on protein function have been reported. No clinical diagnostic laboratories have submitted clinical-significance assessments for this variant to ClinVar after 2014. Based on the evidence outlined above, the variant was classified as uncertain significance.

ClinVar Staff, National Center for Biotechnology Information (NCBI)
No classification provided. Condition: Long QT syndrome, LQT1 subtype. Review status: no classification provided. Collection method: literature only. Allele origin: germline. Affected: yes. Not counted in ClinVar's aggregate classification.

Literature cited by the submitters: PubMed 19841300 (cited by ClinVar Staff, National Center for Biotechnology Information (NCBI)).